The following is an entry in ClinVar:

ClinVar aggregate classification (germline): Uncertain significance (1 of 4 stars; one submission).

gnomAD v4.1: 14 of 1,551,670 alleles (0.0009%); highest among the groups gnomAD compares: South Asian, 0.017%; no homozygotes.

Submission:

Labcorp Genetics (formerly Invitae), Labcorp
Classification: Uncertain significance. Last evaluated: 2025-02-16. Review status: criteria provided, single submitter. Criteria: Invitae Variant Classification Sherloc (09022015). Collection method: clinical testing. Allele origin: germline.
Comment: This sequence change replaces leucine, which is neutral and non-polar, with serine, which is neutral and polar, at codon 424 of the DTHD1 protein (p.Leu424Ser). This variant is present in population databases (rs761928746, gnomAD 0.01%). This variant has not been reported in the literature in individuals affected with DTHD1-related conditions. An algorithm developed to predict the effect of missense changes on protein structure and function (PolyPhen-2) suggests that this variant is likely to be disruptive. In summary, the available evidence is currently insufficient to determine the role of this variant in disease. Therefore, it has been classified as a Variant of Uncertain Significance.

NM_001170700.3(DTHD1):c.2141T>C (p.Leu714Ser)

Gene: DTHD1 (death domain containing 1; plus strand). Cytogenetic location: 4p14.
Variant type: single nucleotide variant.
Coding change: c.2141T>C on transcript NM_001170700.3 (MANE Select); coding-DNA position 2141, T replaced by C.
Protein change: p.Leu714Ser; replaces leucine 714 with serine.
Molecular consequence: missense variant. On other transcripts: non-coding transcript variant (2).
Genome position (GRCh38, 1-based): chr4:36,316,287, T>C. VCF-style: chr4-36316287-T-C. GRCh37 (hg19) VCF-style: chr4-36317909-T-C.
Other names: c.1271T>C, p.Leu424Ser (NM_001136536.5); c.1208T>C, p.Leu403Ser (NM_001378435.1); short protein forms L424S, L714S, L403S.
Identifiers: ClinVar variation 4699690 (VCV004699690.1).